The following is an entry in ClinVar:

NM_004655.4(AXIN2):c.1543CAC[2] (p.His517del)

Gene: AXIN2 (axin 2; minus strand). Cytogenetic location: 17q24.1.
Variant type: Microsatellite.
Coding change: c.1543CAC[2] on transcript NM_004655.4 (MANE Select); two copies in a row of the 3-base unit CAC starting at c.1543; the reference has three copies in a row; one copy, 3 bases deleted.
Protein change: p.His517del; deletes histidine 517.
Molecular consequence: inframe deletion.
Genome position (GRCh38, 1-based): chr17:65,537,485-65,537,487, GTG deleted on the plus strand (CAC on the coding strand, the reverse complement: AXIN2 is on the minus strand); deleting any 3 consecutive bases within chr17:65,537,485-65,537,494 gives the same sequence; the position shown is the placement nearest the transcript's 3' end. VCF-style (leftmost placement, unchanged base first): chr17-65537484-AGTG-A. GRCh37 (hg19) VCF-style: chr17-63533602-AGTG-A.
Other names: c.1543CAC[2], p.His517del (NM_001363813.1); short protein forms H517del.
Identifiers: ClinVar variation 1413591 (VCV001413591.6), dbSNP rs2144459757, ClinGen allele CA2580613225.
Genomic context (GRCh38, chr17:65,537,484, plus strand): 5'-GCTGCGTGGCCTCCGCCTCGATCTCCTCCTTGGTCTTGGGGACGGCATGGTGGTGGATGT[AGTG>A]GTGGTGGACATGCTTCGTCGTCTGCTTGGTCACAAAGCCTTTGCCCCCGAGGAGGGGGCA-3'

ClinVar aggregate classification (germline): Uncertain significance (1 of 4 stars; one submission).

Conditions:
Oligodontia-cancer predisposition syndrome. Also called: TOOTH AGENESIS-COLORECTAL CANCER SYNDROME. Identifiers: Orphanet 300576, MedGen C1837750, MONDO:0012075, OMIM 608615. Disease mechanism: loss of function.

Submission:

Labcorp Genetics (formerly Invitae), Labcorp
Classification: Uncertain significance for Oligodontia-cancer predisposition syndrome. Last evaluated: 2021-08-27. Review status: criteria provided, single submitter. Criteria: Invitae Variant Classification Sherloc (09022015). Collection method: clinical testing. Allele origin: germline.
Comment: In summary, the available evidence is currently insufficient to determine the role of this variant in disease. Therefore, it has been classified as a Variant of Uncertain Significance. Experimental studies and prediction algorithms are not available or were not evaluated, and the functional significance of this variant is currently unknown. This variant has not been reported in the literature in individuals affected with AXIN2-related conditions. This variant is not present in population databases (ExAC no frequency). This variant, c.1549_1551del, results in the deletion of 1 amino acid(s) of the AXIN2 protein (p.His517del), but otherwise preserves the integrity of the reading frame.